The following is an entry in ClinVar:

NM_003560.4(PLA2G6):c.757G>A (p.Gly253Ser)

Gene: PLA2G6 (phospholipase A2 group VI; minus strand). Cytogenetic location: 22q13.1.
Variant type: single nucleotide variant.
Coding change: c.757G>A on transcript NM_003560.4 (MANE Select); coding-DNA position 757, G replaced by A.
Protein change: p.Gly253Ser; replaces glycine 253 with serine.
Molecular consequence: missense variant. On other transcripts: intron variant (1).
Genome position (GRCh38, 1-based): chr22:38,140,022, C>T on the plus strand (G>A on the coding strand, the complement: PLA2G6 is on the minus strand). VCF-style: chr22-38140022-C-T. GRCh37 (hg19) VCF-style: chr22-38536029-C-T.
Other names: NM_003560.4(PLA2G6):c.757G>A; p.Gly253Ser; c.757G>A, p.Gly253Ser (NM_001004426.3, NM_001199562.3, NM_001349864.2 and 2 more transcripts); c.223G>A, p.Gly75Ser (NM_001349867.2, NM_001349869.2); c.119+3083G>A (NM_001349868.2); short protein forms G253S, G75S.
Identifiers: ClinVar variation 807465 (VCV000807465.6), dbSNP rs745643715, ClinGen allele CA10231169.
Genomic context (GRCh38, chr22:38,140,022, plus strand): 5'-GGGAGGGGAGGAGGTCTTACCCCTTCTGAGAGAACTTCATGGCCGAGTGGATGGGGTAGC[C>T]GTTGGGGCCCATGATGTTGCACCGAGCATTGCACAGCAGCAGCACGCGGACCATCTCCTG-3'
Protein context (NP_003551.2, residues 243-263): NARCNIMGPN[Gly253Ser]YPIHSAMKFS

ClinVar aggregate classification (germline): Conflicting classifications of pathogenicity. Review status: criteria provided, conflicting classifications (1 of 4 stars). 4 submissions from 4 submitters: Likely pathogenic (1); Uncertain significance (3). Last evaluated 2024-06-19.

Conditions:
PLA2G6-associated neurodegeneration (PLAN). Also called: phospholipase A2-associated neurodegeneration. Identifiers: Orphanet 329303, MedGen CN204472, MONDO:0017998.
Infantile neuroaxonal dystrophy (NBIA2A). Also called: NEURODEGENERATION WITH BRAIN IRON ACCUMULATION 2A; Infantile neuroaxonal dystrophy 1; SEITELBERGER DISEASE. Identifiers: Orphanet 35069, MedGen C0270724, MONDO:0024457, OMIM 256600.

Allele frequency attached by ClinVar (database versions not stated): gnomAD exomes below 0.00001; ExAC 0.00001.
gnomAD v4.1: 8 of 1,610,648 alleles (0.0005%); highest among the groups gnomAD compares: East Asian, 0.0022%; no homozygotes.

Submissions (4):

Women's Health and Genetics/Laboratory Corporation of America, LabCorp
Classification: Uncertain significance. Last evaluated: 2024-06-19. Review status: criteria provided, single submitter. Criteria: LabCorp Variant Classification Summary - May 2015. Collection method: clinical testing. Allele origin: germline.
Comment: Variant summary: PLA2G6 c.757G>A (p.Gly253Ser) results in a non-conservative amino acid change in the encoded protein sequence. Three of five in-silico tools predict a damaging effect of the variant on protein function. The variant allele was found at a frequency of 4.1e-06 in 244046 control chromosomes. The available data on variant occurrences in the general population are insufficient to allow any conclusion about variant significance. c.757G>A has been reported in the literature in at least one compound heterozygous individual with clinical features of Neurodegeneration With Brain Iron Accumulation (Zech_2020, Dzinovic_2022). These data do not allow any conclusion about variant significance. To our knowledge, no experimental evidence demonstrating an impact on protein function has been reported. The following publications have been ascertained in the context of this evaluation (PMID: 35872528, 33098801). ClinVar contains an entry for this variant (Variation ID: 807465). Based on the evidence outlined above, the variant was classified as uncertain significance.

Broad Center for Mendelian Genomics, Broad Institute of MIT and Harvard
Classification: Uncertain significance for PLA2G6-associated neurodegeneration. Last evaluated: 2023-01-24. Review status: criteria provided, single submitter. Criteria: ACMG Guidelines, 2015. Collection method: curation. Allele origin: germline. Inheritance: Autosomal recessive inheritance.
Comment: The p.Gly253Ser variant in PLA2G6 has been reported in 1 individual, in the compound heterozygous state, with PLA2G6-associated neurodegeneration (PMID: 33098801) and has been identified in 0.0009% (1/109980) of European (non-Finnish) chromosomes by the Genome Aggregation Database (gnomAD; dbSNP ID: rs745643715). Although this variant has been seen in the general population in a heterozygous state, its frequency is low enough to be consistent with a recessive carrier frequency. This variant has also been reported in ClinVar (Variation ID#: 807465) and has been interpreted as likely pathogenic by Institute of Human Genetics (Klinikum rechts der Isar). Computational prediction tools and conservation analyses do not provide strong support for or against an impact to the protein. In summary, the clinical significance of the p.Gly253Ser variant is uncertain. ACMG/AMP Criteria applied: PM2_supporting (Richards 2015).

Labcorp Genetics (formerly Invitae), Labcorp
Classification: Uncertain significance for Infantile neuroaxonal dystrophy. Last evaluated: 2022-10-17. Review status: criteria provided, single submitter. Criteria: Invitae Variant Classification Sherloc (09022015). Collection method: clinical testing. Allele origin: germline.
Comment: This sequence change replaces glycine, which is neutral and non-polar, with serine, which is neutral and polar, at codon 253 of the PLA2G6 protein (p.Gly253Ser). The frequency data for this variant in the population databases is considered unreliable, as metrics indicate poor data quality at this position in the gnomAD database. This missense change has been observed in individual(s) with clinical features of PLA2G6-related conditions (PMID: 33098801). ClinVar contains an entry for this variant (Variation ID: 807465). Advanced modeling of protein sequence and biophysical properties (such as structural, functional, and spatial information, amino acid conservation, physicochemical variation, residue mobility, and thermodynamic stability) performed at Invitae indicates that this missense variant is not expected to disrupt PLA2G6 protein function. In summary, the available evidence is currently insufficient to determine the role of this variant in disease. Therefore, it has been classified as a Variant of Uncertain Significance.

Institute of Human Genetics Munich, TUM University Hospital
Classification: Likely pathogenic for Infantile neuroaxonal dystrophy. Last evaluated: 2019-05-07. Review status: criteria provided, single submitter. Criteria: Classification criteria August 2017. Collection method: clinical testing. Allele origin: germline. Inheritance: Autosomal recessive inheritance. Affected: yes. Observed: 1 compound heterozygote.

Literature cited by the submitters: PubMed 33098801 (cited by Women's Health and Genetics/Laboratory Corporation of America, LabCorp and Labcorp Genetics (formerly Invitae), Labcorp); PubMed 35872528 (cited by Women's Health and Genetics/Laboratory Corporation of America, LabCorp).